The following is an entry in ClinVar:

NM_032520.5(GNPTG):c.551T>A (p.Leu184Gln)

Gene: GNPTG (N-acetylglucosamine-1-phosphate transferase subunit gamma; plus strand). Cytogenetic location: 16p13.3.
Variant type: single nucleotide variant.
Coding change: c.551T>A on transcript NM_032520.5 (MANE Select); coding-DNA position 551, T replaced by A.
Protein change: p.Leu184Gln; replaces leucine 184 with glutamine.
Molecular consequence: missense variant.
Genome position (GRCh38, 1-based): chr16:1,362,476, T>A. VCF-style: chr16-1362476-T-A. GRCh37 (hg19) VCF-style: chr16-1412477-T-A.
Other names: short protein forms L184Q.
Identifiers: ClinVar variation 967375 (VCV000967375.6), dbSNP rs773290124, ClinGen allele CA7807801.

ClinVar aggregate classification (germline): Uncertain significance. Review status: criteria provided, multiple submitters, no conflicts (2 of 4 stars). 3 submissions from 3 submitters: Uncertain significance (2). 1 of the submissions does not count toward it. Last evaluated 2024-10-29.

Conditions:
GNPTG-mucolipidosis. Also called: Mucolipidosis type III gamma; ML III GAMMA; ML IIIC; MUCOLIPIDOSIS III, COMPLEMENTATION GROUP C; MUCOLIPIDOSIS III, IRANIAN VARIANT FORM; MUCOLIPIDOSIS III, VARIANT FORM. Identifiers: Orphanet 423470, Orphanet 577, MedGen C1854896, MONDO:0009652, OMIM 252605.

Allele frequency attached by ClinVar (database versions not stated): gnomAD exomes 0.00009 and 0.00021; ExAC 0.00010; gnomAD 0.00014; TOPMed 0.00015.
gnomAD v4.1: 330 of 1,613,934 alleles (0.02%); highest among the groups gnomAD compares: Non-Finnish European, 0.027%; no homozygotes.

Submissions (3):

Blueprint Genetics
Classification: Uncertain significance. Last evaluated: 2024-10-29. Review status: criteria provided, single submitter. Criteria: ACMG Guidelines, 2015. Collection method: clinical testing. Allele origin: germline.

Labcorp Genetics (formerly Invitae), Labcorp
Classification: Uncertain significance. Last evaluated: 2022-08-16. Review status: criteria provided, single submitter. Criteria: Invitae Variant Classification Sherloc (09022015). Collection method: clinical testing. Allele origin: germline.
Comment: This sequence change replaces leucine, which is neutral and non-polar, with glutamine, which is neutral and polar, at codon 184 of the GNPTG protein (p.Leu184Gln). This variant is present in population databases (rs773290124, gnomAD 0.02%). This variant has not been reported in the literature in individuals affected with GNPTG-related conditions. ClinVar contains an entry for this variant (Variation ID: 967375). Algorithms developed to predict the effect of missense changes on protein structure and function are either unavailable or do not agree on the potential impact of this missense change (SIFT: "Deleterious"; PolyPhen-2: "Possibly Damaging"; Align-GVGD: "Class C0"). In summary, the available evidence is currently insufficient to determine the role of this variant in disease. Therefore, it has been classified as a Variant of Uncertain Significance.

Natera, Inc.
Classification: Uncertain significance for Mucolipidosis III gamma. Last evaluated: 2020-01-30. Review status: no assertion criteria provided. Collection method: clinical testing. Allele origin: germline. Not counted in ClinVar's aggregate classification.